The following is an entry in ClinVar:

NM_138713.4(NFAT5):c.349G>A (p.Asp117Asn)

Gene: NFAT5 (nuclear factor of activated T cells 5; plus strand). Cytogenetic location: 16q22.1.
Variant type: single nucleotide variant.
Coding change: c.349G>A on transcript NM_138713.4 (MANE Select); coding-DNA position 349, G replaced by A.
Protein change: p.Asp117Asn; replaces aspartic acid 117 with asparagine.
Molecular consequence: missense variant. On other transcripts: synonymous variant (1).
Genome position (GRCh38, 1-based): chr16:69,647,123, G>A. VCF-style: chr16-69647123-G-A. GRCh37 (hg19) VCF-style: chr16-69681026-G-A.
Other names: c.349G>A, p.Asp117Asn (NM_001113178.3); c.96G>A, p.Pro32= (NM_001367709.1); c.295G>A, p.Asp99Asn (NM_006599.4); c.67G>A, p.Asp23Asn (NM_138714.4, NM_173214.3, NM_173215.3); short protein forms D23N, D117N, D99N.
Identifiers: ClinVar variation 2070978 (VCV002070978.4), dbSNP rs1278261387, ClinGen allele CA396483471.

ClinVar aggregate classification (germline): Uncertain significance (1 of 4 stars; one submission).

Conditions:
Immunodeficiency. Identifiers: MedGen C0021051, MONDO:0021094, HP:0002721.

Allele frequency attached by ClinVar (database versions not stated): TOPMed below 0.00001; gnomAD exomes 0.00001.
gnomAD v4.1: 7 of 1,613,744 alleles (0.00043%); highest among the groups gnomAD compares: Non-Finnish European, 0.00051%; no homozygotes.

Submission:

Labcorp Genetics (formerly Invitae), Labcorp
Classification: Uncertain significance for Immunodeficiency. Last evaluated: 2025-05-30. Review status: criteria provided, single submitter. Criteria: Invitae Variant Classification Sherloc (09022015). Collection method: clinical testing. Allele origin: germline.
Comment: This sequence change replaces aspartic acid, which is acidic and polar, with asparagine, which is neutral and polar, at codon 23 of the NFAT5 protein (p.Asp23Asn). This variant is not present in population databases (gnomAD no frequency). This variant has not been reported in the literature in individuals affected with NFAT5-related conditions. ClinVar contains an entry for this variant (Variation ID: 2070978). An algorithm developed to predict the effect of missense changes on protein structure and function (PolyPhen-2) suggests that this variant is likely to be disruptive. In summary, the available evidence is currently insufficient to determine the role of this variant in disease. Therefore, it has been classified as a Variant of Uncertain Significance.